The following is an entry in ClinVar:

NM_012193.4(FZD4):c.1030A>G (p.Ser344Gly)

Genes: FZD4 (frizzled class receptor 4; minus strand), PRSS23 (serine protease 23; plus strand). Cytogenetic location: 11q14.2.
Variant type: single nucleotide variant.
Coding change: c.1030A>G on transcript NM_012193.4 (MANE Select); coding-DNA position 1030, A replaced by G.
Protein change: p.Ser344Gly; replaces serine 344 with glycine.
Molecular consequence: missense variant. On other transcripts: non-coding transcript variant (2).
Genome position (GRCh38, 1-based): chr11:86,951,726, T>C on the plus strand (A>G on the coding strand, the complement: FZD4 is on the minus strand). VCF-style: chr11-86951726-T-C. GRCh37 (hg19) VCF-style: chr11-86662768-T-C.
Other names: short protein forms S344G.
Identifiers: ClinVar variation 1962120 (VCV001962120.6), dbSNP rs745360980, ClinGen allele CA6218388.

ClinVar aggregate classification (germline): Uncertain significance. Review status: criteria provided, multiple submitters, no conflicts (2 of 4 stars). 2 submissions from 2 submitters: Uncertain significance (2). Last evaluated 2024-07-15.

Allele frequency attached by ClinVar (database versions not stated): ExAC 0.00001; gnomAD exomes 0.00001.
gnomAD v4.1: 8 of 1,614,226 alleles (0.0005%); highest among the groups gnomAD compares: South Asian, 0.0066%; no homozygotes.

Submissions (2):

Labcorp Genetics (formerly Invitae), Labcorp
Classification: Uncertain significance. Last evaluated: 2024-07-15. Review status: criteria provided, single submitter. Criteria: Invitae Variant Classification Sherloc (09022015). Collection method: clinical testing. Allele origin: germline.
Comment: This sequence change replaces serine, which is neutral and polar, with glycine, which is neutral and non-polar, at codon 344 of the FZD4 protein (p.Ser344Gly). This variant is present in population databases (rs745360980, gnomAD 0.003%). This variant has not been reported in the literature in individuals affected with FZD4-related conditions. ClinVar contains an entry for this variant (Variation ID: 1962120). Advanced modeling of protein sequence and biophysical properties (such as structural, functional, and spatial information, amino acid conservation, physicochemical variation, residue mobility, and thermodynamic stability) performed at Invitae indicates that this missense variant is not expected to disrupt FZD4 protein function with a negative predictive value of 80%. In summary, the available evidence is currently insufficient to determine the role of this variant in disease. Therefore, it has been classified as a Variant of Uncertain Significance.

Blueprint Genetics
Classification: Uncertain significance. Last evaluated: 2021-08-05. Review status: criteria provided, single submitter. Criteria: ACMG Guidelines, 2015. Collection method: clinical testing. Allele origin: germline.